The following is an entry in ClinVar:

NM_001122764.3(PPOX):c.23T>C (p.Leu8Pro)

Gene: PPOX (protoporphyrinogen oxidase; plus strand). Cytogenetic location: 1q23.3.
Variant type: single nucleotide variant.
Coding change: c.23T>C on transcript NM_001122764.3 (MANE Select); coding-DNA position 23, T replaced by C.
Protein change: p.Leu8Pro; replaces leucine 8 with proline.
Molecular consequence: missense variant. On other transcripts: 5 prime UTR variant (5).
Genome position (GRCh38, 1-based): chr1:161,166,870, T>C. VCF-style: chr1-161166870-T-C. GRCh37 (hg19) VCF-style: chr1-161136660-T-C.
Other names: c.23T>C, p.Leu8Pro (NM_000309.5, NM_001350128.2, NM_001365398.1 and 1 more transcripts); c.-405T>C (NM_001350129.2); c.-496T>C (NM_001350130.2); c.-382T>C (NM_001350131.2); c.-289T>C (NM_001365400.1); c.-348T>C (NM_001365401.1); short protein forms L8P.
Identifiers: ClinVar variation 1513794 (VCV001513794.8), dbSNP rs1659110959, ClinGen allele CA343350392.
Genomic context (GRCh38, chr1:161,166,870, plus strand): 5'-TGCCTGTCCATATCGCCCCCTTTCCCCCAGGTTTCCGCATGGGCCGGACCGTGGTCGTGC[T>C]GGGCGGAGGCATCAGCGGCTTGGCCGCCAGTTACCACCTGAGCCGGGCCCCCTGCCCCCC-3'
Protein context (NP_001116236.1, residues 1-18): MGRTVVV[Leu8Pro]GGGISGLAAS

ClinVar aggregate classification (germline): Uncertain significance (1 of 4 stars; one submission).

Submission:

Labcorp Genetics (formerly Invitae), Labcorp
Classification: Uncertain significance. Last evaluated: 2021-01-01. Review status: criteria provided, single submitter. Criteria: Invitae Variant Classification Sherloc (09022015). Collection method: clinical testing. Allele origin: germline.
Comment: In summary, the available evidence is currently insufficient to determine the role of this variant in disease. Therefore, it has been classified as a Variant of Uncertain Significance. Algorithms developed to predict the effect of missense changes on protein structure and function are either unavailable or do not agree on the potential impact of this missense change (SIFT: "Deleterious"; PolyPhen-2: "Probably Damaging"; Align-GVGD: "Class C0"). This variant has been observed in individual(s) with variegate porphyria (Invitae). This variant is not present in population databases (ExAC no frequency). This sequence change replaces leucine with proline at codon 8 of the PPOX protein (p.Leu8Pro). The leucine residue is moderately conserved and there is a moderate physicochemical difference between leucine and proline.